The following is an entry in ClinVar:

NM_001356.5(DDX3X):c.1025+146C>G

Gene: DDX3X (DEAD-box helicase 3 X-linked; plus strand). Cytogenetic location: Xp11.4.
Variant type: single nucleotide variant.
Coding change: c.1025+146C>G on transcript NM_001356.5 (MANE Select); 146 bases into the intron after coding-DNA position 1025, C replaced by G.
Molecular consequence: intron variant.
Genome position (GRCh38, 1-based): chrX:41,344,545, C>G. VCF-style: chrX-41344545-C-G. GRCh37 (hg19) VCF-style: chrX-41203798-C-G.
Other names: c.1025+146C>G (NM_001193416.3); c.977+146C>G (NM_001193417.3); c.467+146C>G (NM_001363819.1).
Identifiers: ClinVar variation 2660342 (VCV002660342.24), dbSNP rs2063897159, ClinGen allele CA2695200185.
Genomic context (GRCh38, chrX:41,344,545, plus strand): 5'-TGGAGTGCCATGGCGCGATCTCGGCTCACCACAACCTCTGCCTCCCGGGTTCAAGCGATT[C>G]TCCTGCCTCAGCCTCCCAGGTAGCTGGGATTACAGGCATGTGCCACCACGCTGGGCTAAT-3'

ClinVar aggregate classification (germline): Uncertain significance (1 of 4 stars; one submission).

Submission:

CeGaT Center for Human Genetics Tuebingen
Classification: Uncertain significance. Last evaluated: 2023-10-01. Review status: criteria provided, single submitter. Criteria: CeGaT Center For Human Genetics Tuebingen Variant Classification Criteria Version 2. Collection method: clinical testing. Allele origin: germline. Affected: yes. Observed: 1 variant allele.
Comment: DDX3X: PM2, PP2, BP4